The following is an entry in ClinVar:

NM_004982.4(KCNJ8):c.335A>T (p.Lys112Ile)

Genes: KCNJ8 (potassium inwardly rectifying channel subfamily J member 8; minus strand), KCNJ8-AS1 (KCNJ8 antisense RNA 1; plus strand). Cytogenetic location: 12p12.1.
Variant type: single nucleotide variant.
Coding change: c.335A>T on transcript NM_004982.4 (MANE Select); coding-DNA position 335, A replaced by T.
Protein change: p.Lys112Ile; replaces lysine 112 with isoleucine.
Molecular consequence: missense variant.
Genome position (GRCh38, 1-based): chr12:21,773,282, T>A on the plus strand (A>T on the coding strand, the complement: KCNJ8 is on the minus strand). VCF-style: chr12-21773282-T-A. GRCh37 (hg19) VCF-style: chr12-21926216-T-A.
Other names: short protein forms K112I.
Identifiers: ClinVar variation 4090524 (VCV004090524.1).

ClinVar aggregate classification (germline): Uncertain significance (1 of 4 stars; one submission).

Conditions:
Cardiovascular phenotype. Identifiers: MedGen CN230736.

Submission:

Ambry Genetics
Classification: Uncertain significance for Cardiovascular phenotype. Last evaluated: 2025-08-19. Review status: criteria provided, single submitter. Criteria: Ambry Variant Classification Scheme 2023. Collection method: clinical testing. Allele origin: germline.
Comment: The p.K112I variant (also known as c.335A>T), located in coding exon 1 of the KCNJ8 gene, results from an A to T substitution at nucleotide position 335. The lysine at codon 112 is replaced by isoleucine, an amino acid with dissimilar properties. This amino acid position is conserved. In addition, this alteration is predicted to be tolerated by in silico analysis. Based on the available evidence, the clinical significance of this variant remains unclear.